The following is an entry in ClinVar:

NM_005060.4(RORC):c.1193G>C (p.Ser398Thr)

Gene: RORC (RAR related orphan receptor C; minus strand). Cytogenetic location: 1q21.3.
Variant type: single nucleotide variant.
Coding change: c.1193G>C on transcript NM_005060.4 (MANE Select); coding-DNA position 1193, G replaced by C.
Protein change: p.Ser398Thr; replaces serine 398 with threonine.
Molecular consequence: missense variant.
Genome position (GRCh38, 1-based): chr1:151,813,039, C>G on the plus strand (G>C on the coding strand, the complement: RORC is on the minus strand). VCF-style: chr1-151813039-C-G. GRCh37 (hg19) VCF-style: chr1-151785515-C-G.
Other names: c.1130G>C, p.Ser377Thr (NM_001001523.2); short protein forms S398T, S377T.
Identifiers: ClinVar variation 2059294 (VCV002059294.4), dbSNP rs2525612188, ClinGen allele CA342011686.

ClinVar aggregate classification (germline): Uncertain significance (1 of 4 stars; one submission).

Conditions:
Autosomal recessive mendelian susceptibility to mycobacterial diseases due to complete RORgamma receptor deficiency. Also called: Immunodeficiency 42. Identifiers: Orphanet 477857, MedGen C5567647, MONDO:0014710, OMIM 616622.

Submission:

Labcorp Genetics (formerly Invitae), Labcorp
Classification: Uncertain significance for Autosomal recessive mendelian susceptibility to mycobacterial diseases due to complete RORgamma receptor deficiency. Last evaluated: 2023-11-27. Review status: criteria provided, single submitter. Criteria: Invitae Variant Classification Sherloc (09022015). Collection method: clinical testing. Allele origin: germline.
Comment: This sequence change replaces serine, which is neutral and polar, with threonine, which is neutral and polar, at codon 398 of the RORC protein (p.Ser398Thr). This variant is not present in population databases (gnomAD no frequency). This variant has not been reported in the literature in individuals affected with RORC-related conditions. ClinVar contains an entry for this variant (Variation ID: 2059294). An algorithm developed to predict the effect of missense changes on protein structure and function (PolyPhen-2) suggests that this variant is likely to be tolerated. In summary, the available evidence is currently insufficient to determine the role of this variant in disease. Therefore, it has been classified as a Variant of Uncertain Significance.